The following is an entry in ClinVar:

ClinVar aggregate classification (germline): Uncertain significance (1 of 4 stars; one submission).

gnomAD v4.1: 1 of 1,613,104 alleles (0.000062%); highest among the groups gnomAD compares: Non-Finnish European, 0.000085%; no homozygotes.

Submission:

GeneDx
Classification: Uncertain significance. Last evaluated: 2023-06-16. Review status: criteria provided, single submitter. Criteria: GeneDx Variant Classification Process June 2021. Collection method: clinical testing. Allele origin: germline. Affected: yes.
Comment: Not observed at significant frequency in large population cohorts (gnomAD); In silico analysis supports that this missense variant has a deleterious effect on protein structure/function; Has not been previously published as pathogenic or benign to our knowledge

NM_001458.5(FLNC):c.7759C>T (p.Pro2587Ser)

Genes: FLNC (filamin C; plus strand), FLNC-AS1 (FLNC antisense RNA 1; minus strand). Cytogenetic location: 7q32.1.
Variant type: single nucleotide variant.
Coding change: c.7759C>T on transcript NM_001458.5 (MANE Select); coding-DNA position 7759, C replaced by T.
Protein change: p.Pro2587Ser; replaces proline 2587 with serine.
Molecular consequence: missense variant.
Genome position (GRCh38, 1-based): chr7:128,857,315, C>T. VCF-style: chr7-128857315-C-T. GRCh37 (hg19) VCF-style: chr7-128497369-C-T.
Other names: c.7660C>T, p.Pro2554Ser (NM_001127487.2); short protein forms P2554S, P2587S.
Identifiers: ClinVar variation 3359890 (VCV003359890.1).